The following is an entry in ClinVar:

NM_006648.4(WNK2):c.29T>A (p.Val10Asp)

Gene: WNK2 (WNK lysine deficient protein kinase 2; plus strand). Cytogenetic location: 9q22.31.
Variant type: single nucleotide variant.
Coding change: c.29T>A on transcript NM_006648.4 (MANE Select); coding-DNA position 29, T replaced by A.
Protein change: p.Val10Asp; replaces valine 10 with aspartic acid.
Molecular consequence: missense variant.
Genome position (GRCh38, 1-based): chr9:93,184,958, T>A. VCF-style: chr9-93184958-T-A. GRCh37 (hg19) VCF-style: chr9-95947240-T-A.
Other names: c.29T>A, p.Val10Asp (NM_001282394.3); short protein forms V10D.
Identifiers: ClinVar variation 3981863 (VCV003981863.1).
Genomic context (GRCh38, chr9:93,184,958, plus strand): 5'-CACGCGGGCCTGTGTGTCCTTGGCCCACAGAGATGGACGGCGATGGCGGCCGCCGAGACG[T>A]CCCCGGCACGCTGATGGAGCCCGGGCGCGGCGCGGGGCCCGCGGGCATGGCGGAGCCTCG-3'
Protein context (NP_006639.3, residues 1-20): MDGDGGRRD[Val10Asp]PGTLMEPGRG

ClinVar aggregate classification (germline): Uncertain significance (1 of 4 stars; one submission).

gnomAD v4.1: 21 of 1,209,882 alleles (0.0017%); highest among the groups gnomAD compares: Non-Finnish European, 0.0021%; no homozygotes.

Submission:

Ambry Genetics
Classification: Uncertain significance. Last evaluated: 2025-04-12. Review status: criteria provided, single submitter. Criteria: Ambry Variant Classification Scheme 2023. Collection method: clinical testing. Allele origin: germline.
Comment: The p.V10D variant (also known as c.29T>A), located in coding exon 1 of the WNK2 gene, results from a T to A substitution at nucleotide position 29. The valine at codon 10 is replaced by aspartic acid, an amino acid with highly dissimilar properties. This amino acid position is conserved. In addition, this alteration is predicted to be tolerated by in silico analysis. Based on the available evidence, the clinical significance of this variant remains unclear.